The following is an entry in ClinVar:

NM_004686.5(MTMR7):c.1749T>G (p.Ser583Arg)

Genes: MTMR7 (myotubularin related protein 7; minus strand), VPS37A (VPS37A subunit of ESCRT-I; plus strand). Cytogenetic location: 8p22.
Variant type: single nucleotide variant.
Coding change: c.1749T>G on transcript NM_004686.5 (MANE Select); coding-DNA position 1749, T replaced by G.
Protein change: p.Ser583Arg; replaces serine 583 with arginine.
Molecular consequence: missense variant. On other transcripts: intron variant (2).
Genome position (GRCh38, 1-based): chr8:17,300,096, A>C on the plus strand (T>G on the coding strand, the complement: MTMR7 is on the minus strand). VCF-style: chr8-17300096-A-C. GRCh37 (hg19) VCF-style: chr8-17157605-A-C.
Other names: c.*906+13669A>C (NM_001363172.2); c.*1194+13669A>C (NM_001363173.2); short protein forms S583R.
Identifiers: ClinVar variation 3044627 (VCV003044627.2), dbSNP rs145244130, ClinGen allele CA4643731.

ClinVar aggregate classification (germline): Likely benign (0 of 4 stars; one submission).

Conditions:
MTMR7-related disorder. Also called: MTMR7-related condition.

Allele frequency attached by ClinVar (database versions not stated): 1000 Genomes Project 0.00120; TOPMed 0.00225; ESP Exome Variant Server 0.00308; 1000 Genomes Project 30x 0.00125; ExAC 0.00224; gnomAD 0.00231.
gnomAD v4.1: 6,064 of 1,614,040 alleles (0.38%); highest among the groups gnomAD compares: Non-Finnish European, 0.47%; 17 homozygotes.

Submission:

PreventionGenetics, part of Exact Sciences
Classification: Likely benign for MTMR7-related condition. Last evaluated: 2022-11-29. Review status: no assertion criteria provided. Collection method: clinical testing. Allele origin: germline.
Comment: This variant is classified as likely benign based on ACMG/AMP sequence variant interpretation guidelines (Richards et al. 2015 PMID: 25741868, with internal and published modifications).